The following is an entry in ClinVar:

NM_018051.5(DYNC2I1):c.418C>G (p.His140Asp)

Gene: DYNC2I1 (dynein 2 intermediate chain 1; plus strand). Cytogenetic location: 7q36.3.
Variant type: single nucleotide variant.
Coding change: c.418C>G on transcript NM_018051.5 (MANE Select); coding-DNA position 418, C replaced by G.
Protein change: p.His140Asp; replaces histidine 140 with aspartic acid.
Molecular consequence: missense variant. On other transcripts: 5 prime UTR variant (4).
Genome position (GRCh38, 1-based): chr7:158,871,490, C>G. VCF-style: chr7-158871490-C-G. GRCh37 (hg19) VCF-style: chr7-158664181-C-G.
Other names: c.280C>G, p.His94Asp (NM_001350914.2); c.-100C>G (NM_001350915.2); c.-941C>G (NM_001350916.2); c.-949C>G (NM_001350917.2); c.-1068C>G (NM_001350918.2); short protein forms H140D, H94D.
Identifiers: ClinVar variation 1680641 (VCV001680641.5), dbSNP rs1315103377, ClinGen allele CA370177423.
Genomic context (GRCh38, chr7:158,871,490, plus strand): 5'-GACAGGGAAAAAGAAAAAGACAGAAGGGCCCGGAAGGAAGAGCTCCGGCAGACCGTGGCC[C>G]ACCACAACCTGCTGGGCCAGGAGACACGCGACCGGCAGCTCCTGGAGCGGGCGGAGAGGA-3'
Protein context (NP_060521.4, residues 130-150): RKEELRQTVA[His140Asp]HNLLGQETRD

ClinVar aggregate classification (germline): Uncertain significance (1 of 4 stars; one submission).

Conditions:
Short-rib thoracic dysplasia 8 with or without polydactyly (SRTD8). Also called: SHORT-RIB THORACIC DYSPLASIA 8 WITH POLYDACTYLY. Identifiers: Orphanet 93271, MedGen C3809691, MONDO:0014214, OMIM 615503.

Allele frequency attached by ClinVar (database versions not stated): TOPMed below 0.00001.

Submission:

Labcorp Genetics (formerly Invitae), Labcorp
Classification: Uncertain significance for Short-rib thoracic dysplasia 8 with or without polydactyly. Last evaluated: 2023-10-13. Review status: criteria provided, single submitter. Criteria: Invitae Variant Classification Sherloc (09022015). Collection method: clinical testing. Allele origin: germline.
Comment: This sequence change replaces histidine, which is basic and polar, with aspartic acid, which is acidic and polar, at codon 140 of the WDR60 protein (p.His140Asp). This variant is present in population databases (no rsID available, gnomAD 0.004%). This variant has not been reported in the literature in individuals affected with WDR60-related conditions. ClinVar contains an entry for this variant (Variation ID: 1680641). An algorithm developed to predict the effect of missense changes on protein structure and function (PolyPhen-2) suggests that this variant¬†is likely to be tolerated. In summary, the available evidence is currently insufficient to determine the role of this variant in disease. Therefore, it has been classified as a Variant of Uncertain Significance.